The following is an entry in ClinVar:

NM_001114753.3(ENG):c.763G>T (p.Gly255Cys)

Gene: ENG (endoglin; minus strand). Cytogenetic location: 9q34.11.
Variant type: single nucleotide variant.
Coding change: c.763G>T on transcript NM_001114753.3 (MANE Select); coding-DNA position 763, G replaced by T.
Protein change: p.Gly255Cys; replaces glycine 255 with cysteine.
Molecular consequence: missense variant.
Genome position (GRCh38, 1-based): chr9:127,825,284, C>A on the plus strand (G>T on the coding strand, the complement: ENG is on the minus strand). VCF-style: chr9-127825284-C-A. GRCh37 (hg19) VCF-style: chr9-130587563-C-A.
Other names: c.763G>T, p.Gly255Cys (NM_000118.4, NM_001406715.1); c.217G>T, p.Gly73Cys (NM_001278138.2); short protein forms G255C, G73C.
Identifiers: ClinVar variation 982478 (VCV000982478.3), dbSNP rs1830580925, ClinGen allele CA374983301.

ClinVar aggregate classification (germline): Likely pathogenic (1 of 4 stars; one submission).

Conditions:
Telangiectasia, hereditary hemorrhagic, type 1 (HHT1). Also called: Osler Weber Rendu syndrome type 1; ENG-Related Hereditary Hemorrhagic Telangiectasia. Identifiers: Orphanet 774, MedGen C4551861, MONDO:0008535, OMIM 187300. Disease mechanism: loss of function.

Submission:

NIHR Bioresource Rare Diseases, University of Cambridge
Classification: Likely pathogenic for Telangiectasia, hereditary hemorrhagic, type 1. Last evaluated: 2018-01-01. Review status: criteria provided, single submitter. Criteria: ACMG Guidelines, 2015. Collection method: research. Allele origin: unknown. Affected: yes. Observed: 2 variant alleles.
Comment: PM2+PM1+PP2+PP4

Literature cited by the submitters: PubMed 32573726.